The following is an entry in ClinVar:

ClinVar aggregate classification (germline): Likely benign (1 of 4 stars; one submission).

Allele frequency attached by ClinVar (database versions not stated): TOPMed 0.00001; ExAC 0.00002.
gnomAD v4.1: 12 of 1,614,048 alleles (0.00074%); highest among the groups gnomAD compares: East Asian, 0.0067%; no homozygotes.

Submission:

CeGaT Center for Human Genetics Tuebingen
Classification: Likely benign. Last evaluated: 2022-05-01. Review status: criteria provided, single submitter. Criteria: CeGaT Center For Human Genetics Tuebingen Variant Classification Criteria Version 2. Collection method: clinical testing. Allele origin: germline. Affected: yes. Observed: 1 variant allele.
Comment: TRIO: BP4, BP7

NM_007118.4(TRIO):c.7713C>T (p.Asn2571=)

Gene: TRIO (trio Rho guanine nucleotide exchange factor; plus strand). Cytogenetic location: 5p15.2.
Variant type: single nucleotide variant.
Coding change: c.7713C>T on transcript NM_007118.4 (MANE Select); coding-DNA position 7713, C replaced by T.
Protein change: p.Asn2571=; no amino-acid change (asparagine 2571 retained).
Molecular consequence: synonymous variant. On other transcripts: non-coding transcript variant (1).
Genome position (GRCh38, 1-based): chr5:14,492,647, C>T. VCF-style: chr5-14492647-C-T. GRCh37 (hg19) VCF-style: chr5-14492756-C-T.
Identifiers: ClinVar variation 2655352 (VCV002655352.24), dbSNP rs753196784, ClinGen allele CA3207601.